The following is an entry in ClinVar:

ClinVar aggregate classification (germline): Uncertain significance (1 of 4 stars; one submission).

Conditions:
Leukoencephalopathy with brain stem and spinal cord involvement-high lactate syndrome (LBSL). Also called: LEUKOENCEPHALOPATHY WITH BRAINSTEM AND SPINAL CORD INVOLVEMENT AND LACTATE ELEVATION, MILD; MITOCHONDRIAL ASPARTYL-tRNA SYNTHETASE DEFICIENCY; Leukoencephalopathy with Brainstem and Spinal Cord Involvement and Lactate Elevation. Identifiers: Orphanet 137898, MedGen C1970180, MONDO:0012622, OMIM 611105.

Submission:

Broad Center for Mendelian Genomics, Broad Institute of MIT and Harvard
Classification: Uncertain significance for Leukoencephalopathy with brain stem and spinal cord involvement-high lactate syndrome. Last evaluated: 2025-06-06. Review status: criteria provided, single submitter. Criteria: ACMG/ClinGen CNV Guidelines, 2019. Collection method: curation. Allele origin: unknown. Inheritance: Autosomal recessive inheritance.
Comment: The exon 12 del variant in DARS2 has been reported in one individual with leukoencephalopathy with brain stem and spinal cord involvement-high lactate syndrome in the compound heterozygous state with a likely pathogenic variant (PMID: 28017220, Variation ID: 1182591). An overlapping deletion of similar genomic content to this variant has been identified in 0.07% (3/4054) of East Asian chromosomes by the Genome Aggregation Database, with no homozygotes (gnomAD; Structural variant: DEL_CHR1_CEE87DBB). Although deletions overlapping the region of this CNV have been seen in the general population in a heterozygous state, its frequency is not high enough to rule out a pathogenic role. This variant is a deletion of 1 exon and is not predicted to alter the protein reading-frame. Loss of function of the DARS2 gene is an established disease mechanism in autosomal recessive leukoencephalopathy with brain stem and spinal cord involvement-high lactate syndrome. In summary, the clinical significance of the exon 12 deletion variant is uncertain. The ACMG/ClinGen evidence codes and points used in this curation are as follows: 1: 0 points, 2: 0.3 points, 3: 0 points, 4-5: 0 points; Total: 0.3 points; Riggs 2020 (PMID: 31690835).

Literature cited by the submitters: PubMed 28017220.

Single allele

Gene: DARS2 (aspartyl-tRNA synthetase 2, mitochondrial; plus strand). Cytogenetic location: 1q25.1.
Variant type: Deletion.
Identifiers: ClinVar variation 4056480 (VCV004056480.1).